The following is an entry in ClinVar:

NM_000313.4(PROS1):c.760C>T (p.Gln254Ter)

Gene: PROS1 (protein S; minus strand). Cytogenetic location: 3q11.1.
Variant type: single nucleotide variant.
Coding change: c.760C>T on transcript NM_000313.4 (MANE Select); coding-DNA position 760, C replaced by T.
Protein change: p.Gln254Ter; replaces glutamine 254 with a stop codon.
Molecular consequence: nonsense.
Genome position (GRCh38, 1-based): chr3:93,898,537, G>A on the plus strand (C>T on the coding strand, the complement: PROS1 is on the minus strand). VCF-style: chr3-93898537-G-A. GRCh37 (hg19) VCF-style: chr3-93617381-G-A.
Other names: c.856C>T, p.Gln286Ter (NM_001314077.2); short protein forms Q254*, Q286*.
Identifiers: ClinVar variation 1901307 (VCV001901307.5), dbSNP rs2472132377, ClinGen allele CA353672971.

ClinVar aggregate classification (germline): Pathogenic (1 of 4 stars; one submission).

Conditions:
Thrombophilia due to protein S deficiency, autosomal recessive (THPH6). Identifiers: Orphanet 743, MedGen C3281092, MONDO:0013791, OMIM 614514. Disease mechanism: loss of function.

Submission:

Labcorp Genetics (formerly Invitae), Labcorp
Classification: Pathogenic for Thrombophilia due to protein S deficiency, autosomal recessive. Last evaluated: 2024-05-28. Review status: criteria provided, single submitter. Criteria: Invitae Variant Classification Sherloc (09022015). Collection method: clinical testing. Allele origin: germline.
Comment: This sequence change creates a premature translational stop signal (p.Gln254*) in the PROS1 gene. It is expected to result in an absent or disrupted protein product. Loss-of-function variants in PROS1 are known to be pathogenic (PMID: 9241758). This variant is not present in population databases (gnomAD no frequency). This variant has not been reported in the literature in individuals affected with PROS1-related conditions. ClinVar contains an entry for this variant (Variation ID: 1901307). Algorithms developed to predict the effect of sequence changes on RNA splicing suggest that this variant may disrupt the consensus splice site. For these reasons, this variant has been classified as Pathogenic.

Literature cited by the submitters: PubMed 9241758.